The following is an entry in ClinVar:

ClinVar aggregate classification (germline): Uncertain significance. Review status: criteria provided, multiple submitters, no conflicts (2 of 4 stars). 3 submissions from 3 submitters: Uncertain significance (3). Last evaluated 2024-01-20.

Conditions:
Cone-rod dystrophy 20 (CORD20). Identifiers: Orphanet 1872, MedGen C4014856, MONDO:0014427, OMIM 615973.

Allele frequency attached by ClinVar (database versions not stated): gnomAD below 0.00001 and 0.00001; gnomAD exomes 0.00001; ExAC 0.00002.
gnomAD v4.1: 8 of 1,606,016 alleles (0.0005%); highest among the groups gnomAD compares: Middle Eastern, 0.017%; no homozygotes.

Submissions (3):

Fulgent Genetics
Classification: Uncertain significance for Cone-rod dystrophy 20. Last evaluated: 2024-01-20. Review status: criteria provided, single submitter. Criteria: ACMG Guidelines, 2015. Collection method: clinical testing. Allele origin: germline.

Blueprint Genetics
Classification: Uncertain significance. Last evaluated: 2023-10-31. Review status: criteria provided, single submitter. Criteria: ACMG Guidelines, 2015. Collection method: clinical testing. Allele origin: germline.

Labcorp Genetics (formerly Invitae), Labcorp
Classification: Uncertain significance. Last evaluated: 2020-03-16. Review status: criteria provided, single submitter. Criteria: Invitae Variant Classification Sherloc (09022015). Collection method: clinical testing. Allele origin: germline.
Comment: This sequence change replaces aspartic acid with asparagine at codon 109 of the POC1B protein (p.Asp109Asn). The aspartic acid residue is moderately conserved and there is a small physicochemical difference between aspartic acid and asparagine. This variant is present in population databases (rs753857035, ExAC 0.006%). This variant has not been reported in the literature in individuals with POC1B-related conditions. Algorithms developed to predict the effect of missense changes on protein structure and function (SIFT, PolyPhen-2, Align-GVGD) all suggest that this variant is likely to be tolerated, but these predictions have not been confirmed by published functional studies and their clinical significance is uncertain. In summary, the available evidence is currently insufficient to determine the role of this variant in disease. Therefore, it has been classified as a Variant of Uncertain Significance.

NM_172240.3(POC1B):c.325G>A (p.Asp109Asn)

Genes: POC1B (POC1 centriolar protein B; minus strand), POC1B-DUSP6 (POC1B-DUSP6 readthrough; minus strand). Cytogenetic location: 12q21.33.
Variant type: single nucleotide variant.
Coding change: c.325G>A on transcript NM_172240.3 (MANE Select); coding-DNA position 325, G replaced by A.
Protein change: p.Asp109Asn; replaces aspartic acid 109 with asparagine.
Molecular consequence: missense variant. On other transcripts: non-coding transcript variant (2).
Genome position (GRCh38, 1-based): chr12:89,492,063, C>T on the plus strand (G>A on the coding strand, the complement: POC1B is on the minus strand). VCF-style: chr12-89492063-C-T. GRCh37 (hg19) VCF-style: chr12-89885840-C-T.
Other names: c.199G>A, p.Asp67Asn (NM_001199777.2); short protein forms D67N, D109N.
Identifiers: ClinVar variation 1046589 (VCV001046589.10), dbSNP rs753857035, ClinGen allele CA6714541.